The following is an entry in ClinVar:

ClinVar aggregate classification (germline): Uncertain significance. Review status: criteria provided, multiple submitters, no conflicts (2 of 4 stars). 2 submissions from 2 submitters: Uncertain significance (2). Last evaluated 2024-08-30.

Conditions:
Mucopolysaccharidosis type 1. Also called: IDUA deficiency; MPS I; Mucopolysaccharidosis Type I. Identifiers: Orphanet 579, MedGen C0023786, MONDO:0001586.

Allele frequency attached by ClinVar (database versions not stated): TOPMed 0.00006; ESP Exome Variant Server 0.00015.
gnomAD v4.1: 20 of 1,612,328 alleles (0.0012%); highest among the groups gnomAD compares: African/African-American, 0.021%; no homozygotes.

Submissions (2):

Blueprint Genetics
Classification: Uncertain significance. Last evaluated: 2024-08-30. Review status: criteria provided, single submitter. Criteria: ACMG Guidelines, 2015. Collection method: clinical testing. Allele origin: germline.

Labcorp Genetics (formerly Invitae), Labcorp
Classification: Uncertain significance for Mucopolysaccharidosis type 1. Last evaluated: 2021-11-06. Review status: criteria provided, single submitter. Criteria: Invitae Variant Classification Sherloc (09022015). Collection method: clinical testing. Allele origin: germline.
Comment: This sequence change replaces serine, which is neutral and polar, with glycine, which is neutral and non-polar, at codon 67 of the IDUA protein (p.Ser67Gly). This variant is present in population databases (rs370442463, gnomAD 0.02%). This variant has not been reported in the literature in individuals affected with IDUA-related conditions. Algorithms developed to predict the effect of missense changes on protein structure and function (SIFT, PolyPhen-2, Align-GVGD) all suggest that this variant is likely to be tolerated. In summary, the available evidence is currently insufficient to determine the role of this variant in disease. Therefore, it has been classified as a Variant of Uncertain Significance.

NM_000203.5(IDUA):c.199A>G (p.Ser67Gly)

Genes: IDUA (alpha-L-iduronidase; plus strand), SLC26A1 (solute carrier family 26 member 1; minus strand). Cytogenetic location: 4p16.3.
Variant type: single nucleotide variant.
Coding change: c.199A>G on transcript NM_000203.5 (MANE Select); coding-DNA position 199, A replaced by G.
Protein change: p.Ser67Gly; replaces serine 67 with glycine.
Molecular consequence: missense variant. On other transcripts: 3 prime UTR variant (2), non-coding transcript variant (1), intron variant (1).
Genome position (GRCh38, 1-based): chr4:987,849, A>G. VCF-style: chr4-987849-A-G. GRCh37 (hg19) VCF-style: chr4-981637-A-G.
Other names: c.*984T>C (NM_022042.4, NM_213613.4); c.576+3279T>C (NM_134425.4); short protein forms S67G.
Identifiers: ClinVar variation 1429366 (VCV001429366.4), dbSNP rs370442463, ClinGen allele CA2801136.